The following is an entry in ClinVar:

NM_001368894.2(PAX6):c.231_237del (p.Gly78fs)

Gene: PAX6 (paired box 6; minus strand). Cytogenetic location: 11p13.
Variant type: Deletion.
Coding change: c.231_237del on transcript NM_001368894.2 (MANE Select); coding-DNA positions 231 to 237, 7 bases deleted (TGGCTCC; older notation c.231_237delTGGCTCC).
Protein change: p.Gly78fs; shifts the reading frame from glycine 78.
Molecular consequence: frameshift variant. On other transcripts: 5 prime UTR variant (14), non-coding transcript variant (2), intron variant (8).
Genome position (GRCh38, 1-based): chr11:31,801,723-31,801,729, GGAGCCA deleted on the plus strand (TGGCTCC on the coding strand, the reverse complement: PAX6 is on the minus strand); deleting any 7 consecutive bases within chr11:31,801,723-31,801,730 gives the same sequence; the c. name uses the placement nearest the transcript's 3' end. VCF-style (leftmost placement, unchanged base first): chr11-31801722-TGGAGCCA-T. GRCh37 (hg19) VCF-style: chr11-31823270-TGGAGCCA-T.
Other names: c.189_195del, p.Gly64fs (NM_000280.6, NM_001127612.3, NM_001258464.2 and 10 more transcripts); c.231_237del, p.Gly78fs (NM_001258462.3, NM_001258463.2, NM_001310158.2 and 6 more transcripts); c.-551_-545del (NM_001310160.2, NM_001368902.2, NM_001368905.2); c.-220_-214del (NM_001310161.3, NM_001368899.2, NM_001368900.2 and 8 more transcripts); c.432_438del, p.Gly145fs (NM_001368910.2); c.234_240del, p.Gly79fs (NM_001368911.2); c.306_312del, p.Gly103fs (NM_001368918.2, NM_001368919.2); c.264_270del, p.Gly89fs (NM_001368920.2); and 2 more; short protein forms G78fs, G64fs, G89fs, G103fs, G145fs, G79fs.
Identifiers: ClinVar variation 856041 (VCV000856041.8), dbSNP rs1953961273, ClinGen allele CA916082338.
Genomic context (GRCh38, chr11:31,801,722, plus strand): 5'-TGCTTACAACTTCTGGAGTCGCTACTCTCGGTTTACTACCACCGATTGCCCTGGGTCTGA[TGGAGCCA>T]GTCTCGTAATACCTGCCCAGAATTTTACTCACACATCCGTTGGACACCTGCATAGGGGAA-3'

ClinVar aggregate classification (germline): Pathogenic (1 of 4 stars; one submission).

Conditions:
Irido-corneo-trabecular dysgenesis (ASGD5). Also called: ANTERIOR SEGMENT DYSGENESIS 5. Identifiers: Orphanet 708, MedGen C0344559, MONDO:0011414, OMIM 604229, HP:0000659.
Aniridia 1 (AN1). Identifiers: Orphanet 250923, MedGen C0344542, MONDO:0024507, OMIM 106210.

Submission:

Labcorp Genetics (formerly Invitae), Labcorp
Classification: Pathogenic for Aniridia 1; Irido-corneo-trabecular dysgenesis. Last evaluated: 2019-02-07. Review status: criteria provided, single submitter. Criteria: Invitae Variant Classification Sherloc (09022015). Collection method: clinical testing. Allele origin: germline.
Comment: This variant has not been reported in the literature in individuals with PAX6-related conditions. For these reasons, this variant has been classified as Pathogenic. Loss-of-function variants in PAX6 are known to be pathogenic (PMID: 12634864). This variant is not present in population databases (ExAC no frequency). This sequence change creates a premature translational stop signal (p.Gly64Serfs*13) in the PAX6 gene. It is expected to result in an absent or disrupted protein product.

Literature cited by the submitters: PubMed 12634864.